The following is an entry in ClinVar:

ClinVar aggregate classification (germline): Uncertain significance (1 of 4 stars; one submission).

Conditions:
Hereditary cancer-predisposing syndrome. Also called: Hereditary neoplastic syndrome; Neoplastic Syndromes, Hereditary; Tumor predisposition; Hereditary Cancer Syndrome. Identifiers: Orphanet 140162, MedGen C0027672, MeSH D009386, MONDO:0015356.

gnomAD v4.1: 3 of 1,614,204 alleles (0.00019%); highest among the groups gnomAD compares: Non-Finnish European, 0.00025%; no homozygotes.

Submission:

Ambry Genetics
Classification: Uncertain significance for Hereditary cancer-predisposing syndrome. Last evaluated: 2024-12-16. Review status: criteria provided, single submitter. Criteria: Ambry Variant Classification Scheme 2023. Collection method: clinical testing. Allele origin: germline.
Comment: The p.L1167V variant (also known as c.3499C>G), located in coding exon 28 of the EGFR gene, results from a C to G substitution at nucleotide position 3499. The leucine at codon 1167 is replaced by valine, an amino acid with highly similar properties. This amino acid position is well conserved in available vertebrate species. In addition, this alteration is predicted to be tolerated by in silico analysis. Based on the available evidence, the clinical significance of this variant remains unclear.

NM_005228.5(EGFR):c.3499C>G (p.Leu1167Val)

Gene: EGFR (epidermal growth factor receptor; plus strand). Cytogenetic location: 7p11.2.
Variant type: single nucleotide variant.
Coding change: c.3499C>G on transcript NM_005228.5 (MANE Select); coding-DNA position 3499, C replaced by G.
Protein change: p.Leu1167Val; replaces leucine 1167 with valine.
Molecular consequence: missense variant.
Genome position (GRCh38, 1-based): chr7:55,205,483, C>G. VCF-style: chr7-55205483-C-G. GRCh37 (hg19) VCF-style: chr7-55273176-C-G.
Other names: c.3364C>G, p.Leu1122Val (NM_001346899.2); c.3340C>G, p.Leu1114Val (NM_001346900.2); c.2698C>G, p.Leu900Val (NM_001346941.2); short protein forms L1122V, L1114V, L1167V, L900V.
Identifiers: ClinVar variation 3843746 (VCV003843746.1).